The following is an entry in ClinVar:

NM_002768.5(CHMP1A):c.*95G>A

Gene: CHMP1A (charged multivesicular body protein 1A; minus strand). Cytogenetic location: 16q24.3.
Variant type: single nucleotide variant.
Coding change: c.*95G>A on transcript NM_002768.5 (MANE Select); 95 bases downstream of the stop codon, G replaced by A.
Molecular consequence: 3 prime UTR variant. On other transcripts: synonymous variant (1), non-coding transcript variant (1).
Genome position (GRCh38, 1-based): chr16:89,645,971, C>T on the plus strand (G>A on the coding strand, the complement: CHMP1A is on the minus strand). VCF-style: chr16-89645971-C-T. GRCh37 (hg19) VCF-style: chr16-89712379-C-T.
Other names: NC_000016.9:g.89712379C>T; c.666G>A (NM_001083314.3); c.666G>A, p.Ala222= (NM_001083314.4).
Identifiers: ClinVar variation 383224 (VCV000383224.5), dbSNP rs61747591, ClinGen allele CA8246873.

ClinVar aggregate classification (germline): Benign. Review status: criteria provided, multiple submitters, no conflicts (2 of 4 stars). 3 submissions from 3 submitters: Benign (2). 1 of the submissions does not count toward it. Last evaluated 2016-03-11.

Conditions:
CHMP1A-related disorder. Also called: CHMP1A-related condition.

Allele frequency attached by ClinVar (database versions not stated): gnomAD 0.02334 and 0.02200; 1000 Genomes Project 30x 0.02842; ExAC 0.00692; ESP Exome Variant Server 0.01967; gnomAD exomes 0.00521; TOPMed 0.02458; 1000 Genomes Project 0.02716.

Submissions (11):

GeneDx
Classification: Benign. Last evaluated: 2016-03-11. Review status: criteria provided, single submitter. Criteria: GeneDx Variant Classification (06012015). Collection method: clinical testing. Allele origin: germline. Affected: yes.
Comment: This variant is considered likely benign or benign based on one or more of the following criteria: it is a conservative change, it occurs at a poorly conserved position in the protein, it is predicted to be benign by multiple in silico algorithms, and/or has population frequency not consistent with disease.

Breakthrough Genomics
Classification: Benign. Review status: criteria provided, single submitter. Criteria: ACMG Guidelines, 2015. Collection method: not provided. Allele origin: germline. Inheritance: Autosomal recessive inheritance. Affected: yes.

PreventionGenetics, part of Exact Sciences
Classification: Benign for CHMP1A-related condition. Last evaluated: 2019-03-21. Review status: no assertion criteria provided. Collection method: clinical testing. Allele origin: germline. Not counted in ClinVar's aggregate classification.
Comment: This variant is classified as benign based on ACMG/AMP sequence variant interpretation guidelines (Richards et al. 2015 PMID: 25741868, with internal and published modifications).

Dr. Peter K. Rogan Lab, Western University
No classification provided (evidence only). Condition: Clear cell carcinoma of kidney. Review status: no classification provided. Collection method: in vitro. Allele origin: not applicable. Functional consequence: retained intron. Not counted in ClinVar's aggregate classification.

Dr. Peter K. Rogan Lab, Western University
No classification provided (evidence only). Condition: Clear cell carcinoma of kidney. Review status: no classification provided. Collection method: in vitro. Allele origin: not applicable. Functional consequence: retained intron. Not counted in ClinVar's aggregate classification.

Dr. Peter K. Rogan Lab, Western University
No classification provided (evidence only). Condition: Clear cell carcinoma of kidney. Review status: no classification provided. Collection method: in vitro. Allele origin: not applicable. Functional consequence: retained intron. Not counted in ClinVar's aggregate classification.

Dr. Peter K. Rogan Lab, Western University
No classification provided (evidence only). Condition: Uterine corpus endometrial carcinoma. Review status: no classification provided. Collection method: in vitro. Allele origin: not applicable. Functional consequence: retained intron. Not counted in ClinVar's aggregate classification.

Dr. Peter K. Rogan Lab, Western University
No classification provided (evidence only). Condition: Uterine corpus endometrial carcinoma. Review status: no classification provided. Collection method: in vitro. Allele origin: not applicable. Functional consequence: retained intron. Not counted in ClinVar's aggregate classification.

Dr. Peter K. Rogan Lab, Western University
No classification provided (evidence only). Condition: Uterine corpus endometrial carcinoma. Review status: no classification provided. Collection method: in vitro. Allele origin: not applicable. Functional consequence: retained intron. Not counted in ClinVar's aggregate classification.

Dr. Peter K. Rogan Lab, Western University
No classification provided (evidence only). Condition: Thymoma. Review status: no classification provided. Collection method: in vitro. Allele origin: not applicable. Functional consequence: retained intron. Not counted in ClinVar's aggregate classification.

Dr. Peter K. Rogan Lab, Western University
No classification provided (evidence only). Condition: Uterine carcinosarcoma. Review status: no classification provided. Collection method: in vitro. Allele origin: not applicable. Functional consequence: retained intron. Not counted in ClinVar's aggregate classification.